The following is an entry in ClinVar:

ClinVar aggregate classification (germline): Pathogenic (1 of 4 stars; one submission).

Conditions:
Familial dysautonomia. Also called: HSAN III; FD. Identifiers: Orphanet 1764, MedGen C0013364, MONDO:0009131, OMIM 223900. Disease mechanism: loss of function.

Submission:

Myriad Genetics, Inc.
Classification: Pathogenic for Familial dysautonomia. Last evaluated: 2024-07-21. Review status: criteria provided, single submitter. Criteria: Myriad Autosomal Dominant, Autosomal Recessive and X-Linked Classification Criteria (2023). Collection method: clinical testing. Allele origin: unknown.
Comment: NM_003640.3(ELP1):c.1561G>T(E521*) is expected to be pathogenic in the context of familial dysautonomia. This variant is predicted to lead to an abnormal or absent protein product due to the creation of a premature termination codon in ELP1, a gene where loss-of-function variants are known to be pathogenic. Please note: this variant was assessed in the context of healthy population screening.

NM_003640.5(ELP1):c.1561G>T (p.Glu521Ter)

Gene: ELP1 (elongator acetyltransferase complex subunit 1; minus strand). Cytogenetic location: 9q31.3.
Variant type: single nucleotide variant.
Coding change: c.1561G>T on transcript NM_003640.5 (MANE Select); coding-DNA position 1561, G replaced by T.
Protein change: p.Glu521Ter; replaces glutamic acid 521 with a stop codon.
Molecular consequence: nonsense.
Genome position (GRCh38, 1-based): chr9:108,906,385, C>A on the plus strand (G>T on the coding strand, the complement: ELP1 is on the minus strand). VCF-style: chr9-108906385-C-A. GRCh37 (hg19) VCF-style: chr9-111668665-C-A.
Other names: c.1219G>T, p.Glu407Ter (NM_001318360.2); c.514G>T, p.Glu172Ter (NM_001330749.2); short protein forms E172*, E407*, E521*.
Identifiers: ClinVar variation 5013336 (VCV005013336.1).